The following is an entry in ClinVar:

ClinVar aggregate classification (germline): Benign. Review status: no assertion criteria provided (0 of 4 stars). 2 submissions from 1 submitter: Benign (1). 1 of the submissions does not count toward it. Last evaluated 2013-08-26.

Submissions (2):

ISCA site 4
Classification: Benign. Last evaluated: 2013-08-26. Review status: no assertion criteria provided. Collection method: clinical testing. Allele origin: unknown. Affected: yes. Observed: 20 variant alleles. Clinical features observed: Autism (HP:0000717), Global developmental delay (HP:0001263), Omphalocele (HP:0001539), Failure to thrive (HP:0001508), Developmental delay AND/OR other significant developmental or morphological phenotypes, Hemihypertrophy (HP:0001528).

ISCA site 4
Classification: Benign. Last evaluated: 2011-08-12. Review status: flagged submission. Criteria: Kaminsky et al. (Genet Med. 2011). Collection method: clinical testing. Allele origin: unknown. Affected: yes. Observed: 6 variant alleles. Clinical features observed: Global developmental delay (HP:0001263), Edema (HP:0000969), Developmental delay AND/OR other significant developmental or morphological phenotypes, Vomiting (HP:0002013), Failure to thrive (HP:0001508), Abnormality of the mouth (HP:0000153), Abnormal facial shape (HP:0002260). Not counted in ClinVar's aggregate classification.
Comment: Copy number variation identified through the course of routine clinical cytogenomic testing in postnatal populations. Clinical assertions have been curated as described in Kaminsky et al. 2011.
ClinVar note: Reason: This record appears to be redundant with a more recent record from the same submitter.
ClinVar note: Notes: SCV000077778 appears to be redundant with SCV000175197.

GRCh38/hg38 2q37.3(chr2:241988449-242065208)x3

Genes: LINC01237 (long intergenic non-protein coding RNA 1237; plus strand), LINC01880 (long intergenic non-protein coding RNA 1880; minus strand), LOC122889016 (Sharpr-MPRA regulatory region 9157; plus strand), LOC285097 (uncharacterized FLJ38379; plus strand). Cytogenetic location: 2q37.3.
Variant type: copy number gain.
Change: copy number 3 (three copies instead of two) of chr2:241,988,449-242,065,208 (76.8 kb, GRCh38 coordinates, 1-based), cytogenetic band 2q37.3.
Identifiers: ClinVar variation 32364 (VCV000032364.3).